The following is an entry in ClinVar:

ClinVar aggregate classification (germline): Uncertain significance (1 of 4 stars; one submission).

Conditions:
Cardiovascular phenotype. Identifiers: MedGen CN230736.

Allele frequency attached by ClinVar (database versions not stated): gnomAD exomes below 0.00001.
gnomAD v4.1: 1 of 1,613,918 alleles (0.000062%); highest among the groups gnomAD compares: Non-Finnish European, 0.000085%; no homozygotes.

Submission:

Ambry Genetics
Classification: Uncertain significance for Cardiovascular phenotype. Last evaluated: 2023-10-03. Review status: criteria provided, single submitter. Criteria: Ambry Variant Classification Scheme 2023. Collection method: clinical testing. Allele origin: germline.
Comment: The p.R1011* variant (also known as c.3031C>T), located in coding exon 26 of the RYR2 gene, results from a C to T substitution at nucleotide position 3031. This changes the amino acid from an arginine to a stop codon within coding exon 26. This alteration is expected to result in premature protein truncation or nonsense-mediated mRNA decay. However, loss of function of RYR2 has not been clearly established as a mechanism of disease. Since supporting evidence is limited at this time, the clinical significance of this alteration remains unclear.

NM_001035.3(RYR2):c.3031C>T (p.Arg1011Ter)

Gene: RYR2 (ryanodine receptor 2; plus strand). Cytogenetic location: 1q43.
Variant type: single nucleotide variant.
Coding change: c.3031C>T on transcript NM_001035.3 (MANE Select); coding-DNA position 3031, C replaced by T.
Protein change: p.Arg1011Ter; replaces arginine 1011 with a stop codon.
Molecular consequence: nonsense.
Genome position (GRCh38, 1-based): chr1:237,548,555, C>T. VCF-style: chr1-237548555-C-T. GRCh37 (hg19) VCF-style: chr1-237711855-C-T.
Other names: short protein forms R1011*.
Identifiers: ClinVar variation 1799049 (VCV001799049.2), dbSNP rs2546277869, ClinGen allele CA345393683.
Genomic context (GRCh38, chr1:237,548,555, plus strand): 5'-TCACAAGAAGCAATGGTGGACAAGTTGGCAGAAAATGCACATAATGTGTGGGCGCGGGAT[C>T]GAATCCGGCAGGGCTGGACTTATGGCATCCAACAGGTACATGGGAATTAGCATTTGGTCT-3'